The following is an entry in ClinVar:

NM_002203.4(ITGA2):c.2375A>C (p.Asp792Ala)

Gene: ITGA2 (integrin subunit alpha 2; plus strand). Cytogenetic location: 5q11.2.
Variant type: single nucleotide variant.
Coding change: c.2375A>C on transcript NM_002203.4 (MANE Select); coding-DNA position 2375, A replaced by C.
Protein change: p.Asp792Ala; replaces aspartic acid 792 with alanine.
Molecular consequence: missense variant. On other transcripts: non-coding transcript variant (5).
Genome position (GRCh38, 1-based): chr5:53,072,641, A>C. VCF-style: chr5-53072641-A-C. GRCh37 (hg19) VCF-style: chr5-52368471-A-C.
Other names: short protein forms D792A.
Identifiers: ClinVar variation 4978470 (VCV004978470.1).

ClinVar aggregate classification (germline): Uncertain significance (1 of 4 stars; one submission).

Conditions:
ITGA2-related disorder. Also called: ITGA2-related condition.

Submission:

PreventionGenetics, part of Exact Sciences
Classification: Uncertain significance for ITGA2-related condition. Last evaluated: 2026-07-14. Review status: criteria provided, single submitter. Criteria: ACMG Guidelines, 2015. Collection method: clinical testing. Allele origin: germline.
Comment: The ITGA2 c.2375A>C variant is predicted to result in the amino acid substitution p.Asp792Ala. To our knowledge, this variant has not been reported in the literature or in a large population database (gnomAD), indicating this variant is rare. At this time, the clinical significance of this variant is uncertain due to the absence of conclusive functional and genetic evidence.